The following is an entry in ClinVar:

NM_007294.4(BRCA1):c.1850C>A (p.Thr617Asn)

Gene: BRCA1 (BRCA1 DNA repair associated; minus strand). Cytogenetic location: 17q21.31.
Variant type: single nucleotide variant.
Coding change: c.1850C>A on transcript NM_007294.4 (MANE Select); coding-DNA position 1850, C replaced by A.
Protein change: p.Thr617Asn; replaces threonine 617 with asparagine.
Molecular consequence: missense variant. On other transcripts: intron variant (137).
Genome position (GRCh38, 1-based): chr17:43,093,681, G>T on the plus strand (C>A on the coding strand, the complement: BRCA1 is on the minus strand). VCF-style: chr17-43093681-G-T. GRCh37 (hg19) VCF-style: chr17-41245698-G-T.
Other names: c.1847C>A, p.Thr616Asn (NM_001407591.1, NM_001407610.1, NM_001407587.1 and 22 more transcripts); c.1346C>A, p.Thr449Asn (NM_001407965.1); c.962C>A, p.Thr321Asn (NM_001407966.1, NM_001407967.1); c.1706C>A, p.Thr569Asn (NM_001407964.1, NM_001407740.1, NM_001407741.1 and 20 more transcripts); c.1469C>A, p.Thr490Asn (NM_001407963.1, NM_001407959.1, NM_001407960.1); c.1850C>A, p.Thr617Asn (NM_001407593.1, NM_001407594.1, NM_001407597.1 and 30 more transcripts); c.1466C>A, p.Thr489Asn (NM_001407962.1); c.664+1063C>A (NM_001408426.1, NM_001408436.1, NM_001408444.1 and 12 more transcripts); and 40 more; short protein forms T570N, T617N, T449N, T490N, T546N, T590N, T614N, T616N.
Identifiers: ClinVar variation 1049469 (VCV001049469.4), dbSNP rs2154417111, ClinGen allele CA10598320.

ClinVar aggregate classification (germline): Likely benign. Review status: criteria provided, single submitter (1 of 4 stars). 2 submissions from 2 submitters: Likely benign (1). 1 of the submissions does not count toward it. Last evaluated 2023-03-23.

Conditions:
Hereditary cancer-predisposing syndrome. Also called: Tumor predisposition; Hereditary neoplastic syndrome; Hereditary Cancer Syndrome; Neoplastic Syndromes, Hereditary. Identifiers: Orphanet 140162, MedGen C0027672, MeSH D009386, MONDO:0015356.

Submissions (2):

University of Washington Department of Laboratory Medicine, University of Washington
Classification: Likely benign for Hereditary cancer-predisposing syndrome. Last evaluated: 2023-03-23. Review status: criteria provided, single submitter. Criteria: Dines et al. (Genet Med. 2020). Collection method: curation. Allele origin: germline.
Comment: Missense variant in a coldspot region where missense variants are very unlikely to be pathogenic (PMID:31911673).

BRCA1 coldspot (exon 11 using historical exon numbering). Reclassification based on statistical prior probability

Department of Pathology and Laboratory Medicine, Sinai Health System
Classification: Uncertain significance. Review status: no assertion criteria provided. Collection method: clinical testing. Allele origin: unknown. Affected: yes. Observed: 1 variant allele. Study: The Canadian Open Genetics Repository (COGR). Not counted in ClinVar's aggregate classification.